The following is an entry in ClinVar:

ClinVar aggregate classification (germline): Uncertain significance (1 of 4 stars; one submission).

Conditions:
Candidiasis, familial, 9 (CANDF9). Identifiers: Orphanet 1334, MedGen C4225324, MONDO:0014642, OMIM 616445.

Allele frequency attached by ClinVar (database versions not stated): TOPMed below 0.00001; gnomAD exomes 0.00001.
gnomAD v4.1: 12 of 1,607,212 alleles (0.00075%); highest among the groups gnomAD compares: Non-Finnish European, 0.001%; no homozygotes.

Submission:

Labcorp Genetics (formerly Invitae), Labcorp
Classification: Uncertain significance for Candidiasis, familial, 9. Last evaluated: 2023-05-23. Review status: criteria provided, single submitter. Criteria: Invitae Variant Classification Sherloc (09022015). Collection method: clinical testing. Allele origin: germline.
Comment: An algorithm developed to predict the effect of missense changes on protein structure and function (PolyPhen-2) suggests that this variant is likely to be tolerated. This sequence change replaces glutamic acid, which is acidic and polar, with glycine, which is neutral and non-polar, at codon 255 of the IL17RC protein (p.Glu255Gly). This variant is not present in population databases (gnomAD no frequency). This variant has not been reported in the literature in individuals affected with IL17RC-related conditions. In summary, the available evidence is currently insufficient to determine the role of this variant in disease. Therefore, it has been classified as a Variant of Uncertain Significance.

NM_153460.4(IL17RC):c.551A>G (p.Glu184Gly)

Gene: IL17RC (interleukin 17 receptor C; plus strand). Cytogenetic location: 3p25.3.
Variant type: single nucleotide variant.
Coding change: c.551A>G on transcript NM_153460.4 (MANE Select); coding-DNA position 551, A replaced by G.
Protein change: p.Glu184Gly; replaces glutamic acid 184 with glycine.
Molecular consequence: missense variant. On other transcripts: non-coding transcript variant (1).
Genome position (GRCh38, 1-based): chr3:9,920,576, A>G. VCF-style: chr3-9920576-A-G. GRCh37 (hg19) VCF-style: chr3-9962260-A-G.
Other names: c.551A>G, p.Glu184Gly (NM_001367280.1, NM_001410711.1, NM_032732.6 and 4 more transcripts); c.764A>G, p.Glu255Gly (NM_153461.4); c.476A>G, p.Glu159Gly (NM_001367279.1); short protein forms E184G, E255G, E159G.
Identifiers: ClinVar variation 2810262 (VCV002810262.3), dbSNP rs1258721974, ClinGen allele CA351757299.